The following is an entry in ClinVar:

ClinVar aggregate classification (germline): Uncertain significance (1 of 4 stars; one submission).

Conditions:
Familial sleep-related hypermotor epilepsy. Also called: Autosomal Dominant Sleep-Related Hypermotor (Hyperkinetic) Epilepsy. Identifiers: Orphanet 98784, MedGen C3696898, MONDO:0000030.

Submission:

Labcorp Genetics (formerly Invitae), Labcorp
Classification: Uncertain significance. Last evaluated: 2025-12-25. Review status: criteria provided, single submitter. Criteria: Invitae Variant Classification Sherloc (09022015). Collection method: clinical testing. Allele origin: germline.
Comment: This variant, c.381_383del, results in the deletion of 1 amino acid(s) of the CHRNA4 protein (p.Asn128del), but otherwise preserves the integrity of the reading frame. This variant is not present in population databases (gnomAD no frequency). This variant has not been reported in the literature in individuals affected with CHRNA4-related conditions. Algorithms developed to predict the effect of sequence changes on RNA splicing suggest that this variant may disrupt the consensus splice site. In summary, the available evidence is currently insufficient to determine the role of this variant in disease. Therefore, it has been classified as a Variant of Uncertain Significance.

NM_000744.7(CHRNA4):c.378CAA[1] (p.Asn128del)

Genes: CHRNA4 (cholinergic receptor nicotinic alpha 4 subunit; minus strand), LOC126863087 (P300/CBP strongly-dependent group 1 enhancer GRCh37_chr20:61986832-61988031; plus strand). Cytogenetic location: 20q13.33.
Variant type: Microsatellite.
Coding change: c.378CAA[1] on transcript NM_000744.7 (MANE Select); one copy of the 3-base unit CAA starting at c.378; the reference has two copies in a row; one copy, 3 bases deleted.
Protein change: p.Asn128del; deletes asparagine 128.
Molecular consequence: inframe deletion. On other transcripts: 5 prime UTR variant (1), non-coding transcript variant (1).
Genome position (GRCh38, 1-based): chr20:63,355,975-63,355,977, TTG deleted on the plus strand (CAA on the coding strand, the reverse complement: CHRNA4 is on the minus strand); deleting any 3 consecutive bases within chr20:63,355,975-63,355,981 gives the same sequence; the position shown is the placement nearest the transcript's 3' end. VCF-style (leftmost placement, unchanged base first): chr20-63355974-CTTG-C. GRCh37 (hg19) VCF-style: chr20-61987326-CTTG-C.
Other names: c.-169CAA[1] (NM_001256573.2); short protein forms N128del.
Identifiers: ClinVar variation 1959326 (VCV001959326.5), dbSNP rs2516562145, ClinGen allele CA2580616356.